The following is an entry in ClinVar:

ClinVar aggregate classification (germline): Pathogenic. Review status: reviewed by expert panel (3 of 4 stars). 16 submissions from 16 submitters: Pathogenic (1). 15 of the submissions do not count toward it. Last evaluated 2019-05-10.

Conditions:
SOS1-related disorder. Also called: SOS1-related condition.
Fetal anomalies with a likely genetic cause.
Noonan syndrome and Noonan-related syndrome. Identifiers: Orphanet 98733, MedGen C5681679, MONDO:0020297.
Cardiovascular phenotype. Identifiers: MedGen CN230736.
RASopathy. Also called: rasopathies; Noonan spectrum disorder. Identifiers: Orphanet 536391, MedGen C5555857, MONDO:0021060.
Noonan syndrome (NS). Also called: Noonan's syndrome. Identifiers: Orphanet 648, MedGen C0028326, MeSH D009634, MONDO:0018997. Disease mechanism: gain of function.
Noonan syndrome 4 (NS4). Also called: NOONAN SYNDROME WITH PIGMENTED VILLONODULAR SYNOVITIS; SOS1-Related Noonan Syndrome. Identifiers: Orphanet 648, MedGen C1853120, MONDO:0012547, OMIM 610733.
Noonan syndrome 1 (NS1). Also called: FEMALE PSEUDO-TURNER SYNDROME; TURNER PHENOTYPE WITH NORMAL KARYOTYPE; PTPN11-Related Noonan Syndrome. Identifiers: Orphanet 648, MedGen C4551602, MONDO:0008104, OMIM 163950. Disease mechanism: gain of function.
Abnormal aortic valve morphology. Also called: Abnormality of the aortic valve. Identifiers: MedGen C3164445, HP:0001646.

Submissions 1 to 9 of 16:

ClinGen RASopathy Variant Curation Expert Panel
Classification: Pathogenic for Noonan syndrome. Last evaluated: 2019-05-10. Review status: reviewed by expert panel. Criteria: ClinGen RASopathy ACMG Specifications v1. Collection method: curation. Allele origin: germline. Inheritance: Autosomal dominant inheritance.
Comment: The c.1655G>C (p.Arg552Thr) variant in SOS1 has been identified in at least 4 independent occurrences in patients with clinical features of a RASopathy, one of which was de novo (PS4_Moderate; GeneDx, St. George's Hospital, London internal data; GTR Lab ID: 26957 SCV000209121.12; PMID: 21387466, 19352411). This variant was absent from large population studies (PM2; gnomAD). The p.Arg552 residue has been defined as a hotspot by the RAS EP. These variants would have received PM5_Strong but the RAS EP decided that PM1 and PM5 cannot be used simultaneously and therefore this rule has been upgraded with expert judgement (PM1_Strong). The variant is located in the SOS1 gene, which has been defined by the ClinGen RASopathy Expert Panel as a gene with a low rate of benign missense variants and pathogenic missense variants are common (PP2; PMID: 29493581). Computational prediction tools and conservation analysis suggest that the p.Arg552Thr variant may impact the protein (PP3). In summary, this variant meets criteria to be classified as pathogenic for RASopathies in an autosomal dominant manner. Rasopathy-specific ACMG/AMP criteria applied (PMID:29493581): PS4_Moderate, PM1_Strong, PM2, PM6, PP2, PP3.

Genetics Laboratory, Great Ormond Street Hospital NHS Foundation Trust, North Thames Genomic Laboratory Hub
Classification: Pathogenic for Fetal anomalies with a likely genetic cause. Last evaluated: 2026-01-30. Review status: criteria provided, single submitter. Criteria: ACGS Best Practice Guidelines for Variant Classification in Rare Disease 2024 v1.2. Collection method: clinical testing. Allele origin: germline. Affected: yes. Not counted in ClinVar's aggregate classification.
Comment: PS4_moderate, PM2_moderate, PP3_supporting, PM1_strong, PS2_moderate

Labcorp Genetics (formerly Invitae), Labcorp
Classification: Pathogenic for RASopathy. Last evaluated: 2025-11-06. Review status: criteria provided, single submitter. Criteria: Invitae Variant Classification Sherloc (09022015). Collection method: clinical testing. Allele origin: germline. Not counted in ClinVar's aggregate classification.
Comment: This sequence change replaces arginine, which is basic and polar, with threonine, which is neutral and polar, at codon 552 of the SOS1 protein (p.Arg552Thr). This variant is not present in population databases (gnomAD no frequency). This missense change has been observed in individuals with clinical features of Noonan syndrome (PMID: 19352411, 21387466; LaboratoryofMolecularMedicineClinVarentry, internal data). ClinVar contains an entry for this variant (Variation ID: 40682). Invitae Evidence Modeling of protein sequence and biophysical properties (such as structural, functional, and spatial information, amino acid conservation, physicochemical variation, residue mobility, and thermodynamic stability) indicates that this missense variant is expected to disrupt SOS1 protein function with a positive predictive value of 95%. This variant disrupts the p.Arg552 amino acid residue in SOS1. Other variant(s) that disrupt this residue have been determined to be pathogenic (PMID: 17143282, 23487764). This suggests that this residue is clinically significant, and that variants that disrupt this residue are likely to be disease-causing. For these reasons, this variant has been classified as Pathogenic.

GeneDx
Classification: Pathogenic. Last evaluated: 2025-01-14. Review status: criteria provided, single submitter. Criteria: GeneDx Variant Classification Process June 2021. Collection method: clinical testing. Allele origin: germline. Affected: yes. Not counted in ClinVar's aggregate classification.
Comment: Missense variants in this gene are a common cause of disease and they are underrepresented in the general population; In silico analysis supports that this missense variant has a deleterious effect on protein structure/function; Not observed at significant frequency in large population cohorts (gnomAD); This variant is associated with the following publications: (PMID: 21387466, 24803665, 19352411, 36140671, 12628188, 17143282, 20648242, 29493581, 33128510, 35386434, Bolat2022[CaseReport], 26607044)

Institute of Human Genetics Munich, TUM University Hospital
Classification: Pathogenic for Noonan syndrome 4. Last evaluated: 2024-08-19. Review status: criteria provided, single submitter. Criteria: Classification criteria August 2017. Collection method: clinical testing. Allele origin: germline. Inheritance: Autosomal dominant inheritance. Affected: yes. Observed: 1 variant allele. Not counted in ClinVar's aggregate classification.

3billion
Classification: Pathogenic for Noonan syndrome 4. Last evaluated: 2024-06-18. Review status: criteria provided, single submitter. Criteria: ACMG Guidelines, 2015. Collection method: clinical testing. Allele origin: germline. Affected: yes. Not counted in ClinVar's aggregate classification.
Comment: The variant is not observed in the gnomAD v4.0.0 dataset. Predicted Consequence/Location: The variant is located in a mutational hot spot and/or well-established functional domain in which established pathogenic variants have been reported (PMID: 29493581). Missense changes are a common disease-causing mechanism. In silico tool predictions suggest damaging effect of the variant on gene or gene product [REVEL: 0.95 (>=0.6, sensitivity 0.68 and specificity 0.92); 3Cnet: 0.96 (>=0.6, sensitivity 0.72 and precision 0.9)]. The same nucleotide change resulting in the same amino acid change has been previously reported as pathogenic/likely pathogenic with strong evidence (ClinVar ID: VCV000040682 /PMID: 19352411). The variant has been observed in at least two similarly affected unrelated individuals (PMID: 19352411, 21387466). Different missense changes at the same codon (p.Arg552Gly, p.Arg552Lys, p.Arg552Met, p.Arg552Ser, p.Arg552Trp) have been reported as pathogenic/likely pathogenic with strong evidence (ClinVar ID: VCV000012871, VCV000012872, VCV000040681, VCV000040683, VCV000040684, VCV000372656 /PMID: 17143282, 17586837, 21387466, 22465605). Therefore, this variant is classified as Pathogenic according to the recommendation of ACMG/AMP guideline.

PreventionGenetics, part of Exact Sciences
Classification: Pathogenic for SOS1-related condition. Last evaluated: 2023-03-23. Review status: criteria provided, single submitter. Criteria: ACMG Guidelines, 2015. Collection method: clinical testing. Allele origin: germline. Not counted in ClinVar's aggregate classification.
Comment: The SOS1 c.1655G>C variant is predicted to result in the amino acid substitution p.Arg552Thr. This variant has been reported in multiple individuals with Noonan syndrome (Beneteau et al. 2009. PubMed ID: 19352411; Lepri et al. 2011. PubMed ID: 21387466). Alternate missense variants affecting this residue (p.Arg552Gly, p.Arg552Trp, p.Arg552Lys, p.Arg552Met, p.Arg552Ser) have been interpreted as pathogenic (ClinVar IDs: 12871, 372656, 40683, 40681, 12872, 40684). This variant has not been reported in a large population database, indicating this variant is rare. This variant is interpreted as pathogenic.

Illumina Laboratory Services, Illumina
Classification: Pathogenic. Last evaluated: 2022-09-15. Review status: criteria provided, single submitter. Criteria: ICSL CNVClassificationCriteria Aug2020. Collection method: clinical testing. Allele origin: unknown. Affected: yes. Not counted in ClinVar's aggregate classification.
Comment: The SOS1 c.1655G>C (p.Arg552Thr) missense variant results in the substitution of arginine at amino acid position 552 with threonine. Across a selection of the available literature, the p.Arg552Thr variant has been reported in a heterozygous state in at least five unrelated individuals with Noonan syndrome, including at least one confirmed de novo occurrence (PMID: 19352411; PMID: 21387466; PMID: 26607044; PMID: 33128510; DOI 10.3390/genes13091503). This variant is not found in version 2.1.1 or version 3.1.2 of the Genome Aggregation Database. Arg552 is well-characterized mutational hotspot within the SOS1 protein, with missense variants at this residue accounting for approximately one third of SOS1-related Noonan syndrome cases (PMID: 21387466; PMID: 29493581). Based on the available evidence, c.1655G>C (p.Arg552Thr) variant is classified as pathogenic for Noonan syndrome.

Blueprint Genetics
Classification: Pathogenic for SOS1-related disorders. Last evaluated: 2022-02-03. Review status: criteria provided, single submitter. Criteria: ACMG Guidelines, 2015. Collection method: clinical testing. Allele origin: germline. Affected: yes. Observed: 3 variant alleles. Not counted in ClinVar's aggregate classification.

NM_005633.4(SOS1):c.1655G>C (p.Arg552Thr)

Gene: SOS1 (SOS Ras/Rac guanine nucleotide exchange factor 1; minus strand). Cytogenetic location: 2p22.1.
Variant type: single nucleotide variant.
Coding change: c.1655G>C on transcript NM_005633.4 (MANE Select); coding-DNA position 1655, G replaced by C.
Protein change: p.Arg552Thr; replaces arginine 552 with threonine.
Molecular consequence: missense variant.
Genome position (GRCh38, 1-based): chr2:39,022,773, C>G on the plus strand (G>C on the coding strand, the complement: SOS1 is on the minus strand). VCF-style: chr2-39022773-C-G. GRCh37 (hg19) VCF-style: chr2-39249914-C-G.
Other names: p.R552T:AGG>ACG; NM_005633.3(SOS1):c.1655G>C; c.1634G>C, p.Arg545Thr (NM_001382394.1); c.1655G>C, p.Arg552Thr (NM_001382395.1); short protein forms R552T, R545T.
Identifiers: ClinVar variation 40682 (VCV000040682.40), dbSNP rs397517154, ClinGen allele CA261728.